The following is an entry in ClinVar:

ClinVar aggregate classification (germline): Likely benign (1 of 4 stars; one submission).

gnomAD v4.1: 37 of 1,614,138 alleles (0.0023%); highest among the groups gnomAD compares: Non-Finnish European, 0.003%; no homozygotes.

Submission:

CeGaT Center for Human Genetics Tuebingen
Classification: Likely benign. Last evaluated: 2026-09-01. Review status: criteria provided, single submitter. Criteria: CeGaT Center For Human Genetics Tuebingen Variant Classification Criteria Version 2. Collection method: clinical testing. Allele origin: germline. Affected: yes. Observed: 1 variant allele.
Comment: ZNF142: BP4, BP7

NM_001379659.1(ZNF142):c.1320C>T (p.Ser440=)

Gene: ZNF142 (zinc finger protein 142; minus strand). Cytogenetic location: 2q35.
Variant type: single nucleotide variant.
Coding change: c.1320C>T on transcript NM_001379659.1 (MANE Select); coding-DNA position 1320, C replaced by T.
Protein change: p.Ser440=; no amino-acid change (serine 440 retained).
Molecular consequence: synonymous variant.
Genome position (GRCh38, 1-based): chr2:218,649,188, G>A on the plus strand (C>T on the coding strand, the complement: ZNF142 is on the minus strand). VCF-style: chr2-218649188-G-A. GRCh37 (hg19) VCF-style: chr2-219513911-G-A.
Other names: c.720C>T, p.Ser240= (NM_001105537.5, NM_001366291.3, NM_001379662.1); c.231C>T, p.Ser77= (NM_001366287.3, NM_001366288.3, NM_001366289.3); c.1320C>T, p.Ser440= (NM_001366290.3, NM_001379660.1, NM_001379661.1).
Identifiers: ClinVar variation 5041256 (VCV005041256.1).